The following is an entry in ClinVar:

NM_001379451.1(BCORL1):c.4150C>T (p.Leu1384Phe)

Gene: BCORL1 (BCL6 corepressor like 1; plus strand). Cytogenetic location: Xq26.1.
Variant type: single nucleotide variant.
Coding change: c.4150C>T on transcript NM_001379451.1 (MANE Select); coding-DNA position 4150, C replaced by T.
Protein change: p.Leu1384Phe; replaces leucine 1384 with phenylalanine.
Molecular consequence: missense variant.
Genome position (GRCh38, 1-based): chrX:130,028,706, C>T. VCF-style: chrX-130028706-C-T. GRCh37 (hg19) VCF-style: chrX-129162681-C-T.
Other names: c.4150C>T, p.Leu1384Phe (NM_001184772.3, NM_001379450.1, NM_021946.5); short protein forms L1384F.
Identifiers: ClinVar variation 2572302 (VCV002572302.1), dbSNP rs769998845, ClinGen allele CA414553636.

ClinVar aggregate classification (germline): Uncertain significance (1 of 4 stars; one submission).

Allele frequency attached by ClinVar (database versions not stated): gnomAD 0.00001; TOPMed 0.00002.
gnomAD v4.1: 1 of 1,208,581 alleles (0.000083%); highest among the groups gnomAD compares: Non-Finnish European, 0.00011%; no homozygotes.

Submission:

Greenwood Genetic Center Diagnostic Laboratories, Greenwood Genetic Center
Classification: Uncertain significance. Last evaluated: 2023-06-29. Review status: criteria provided, single submitter. Criteria: ACMG Guidelines, 2015. Collection method: clinical testing. Allele origin: germline. Affected: yes.
Comment: PM2